The following is an entry in ClinVar:

NM_022367.4(SEMA4A):c.208A>G (p.Ser70Gly)

Gene: SEMA4A (semaphorin 4A; plus strand). Cytogenetic location: 1q22.
Variant type: single nucleotide variant.
Coding change: c.208A>G on transcript NM_022367.4 (MANE Select); coding-DNA position 208, A replaced by G.
Protein change: p.Ser70Gly; replaces serine 70 with glycine.
Molecular consequence: missense variant. On other transcripts: 5 prime UTR variant (4).
Genome position (GRCh38, 1-based): chr1:156,156,482, A>G. VCF-style: chr1-156156482-A-G. GRCh37 (hg19) VCF-style: chr1-156126273-A-G.
Other names: c.208A>G, p.Ser70Gly (NM_001193300.2, NM_001193301.2, NM_001370567.1); c.-90A>G (NM_001193302.2, NM_001370568.1); c.-317A>G (NM_001370569.1, NM_001370571.1); short protein forms S70G.
Identifiers: ClinVar variation 951711 (VCV000951711.10), dbSNP rs766643468, ClinGen allele CA1154946.

ClinVar aggregate classification (germline): Uncertain significance. Review status: criteria provided, multiple submitters, no conflicts (2 of 4 stars). 2 submissions from 2 submitters: Uncertain significance (2). Last evaluated 2022-03-10.

Allele frequency attached by ClinVar (database versions not stated): ExAC 0.00001; gnomAD exomes 0.00001.
gnomAD v4.1: 19 of 1,613,988 alleles (0.0012%); highest among the groups gnomAD compares: Non-Finnish European, 0.0016%; no homozygotes.

Submissions (2):

Labcorp Genetics (formerly Invitae), Labcorp
Classification: Uncertain significance. Last evaluated: 2022-03-10. Review status: criteria provided, single submitter. Criteria: Invitae Variant Classification Sherloc (09022015). Collection method: clinical testing. Allele origin: germline.
Comment: In summary, the available evidence is currently insufficient to determine the role of this variant in disease. Therefore, it has been classified as a Variant of Uncertain Significance. Algorithms developed to predict the effect of missense changes on protein structure and function (SIFT, PolyPhen-2, Align-GVGD) all suggest that this variant is likely to be tolerated. ClinVar contains an entry for this variant (Variation ID: 951711). This variant has not been reported in the literature in individuals affected with SEMA4A-related conditions. This variant is present in population databases (rs766643468, gnomAD 0.002%). This sequence change replaces serine, which is neutral and polar, with glycine, which is neutral and non-polar, at codon 70 of the SEMA4A protein (p.Ser70Gly).

Blueprint Genetics
Classification: Uncertain significance. Last evaluated: 2019-09-16. Review status: criteria provided, single submitter. Criteria: ACMG Guidelines, 2015. Collection method: clinical testing. Allele origin: germline.